The following is an entry in ClinVar:

ClinVar aggregate classification (germline): Benign/Likely benign. Review status: criteria provided, multiple submitters, no conflicts (2 of 4 stars). 3 submissions from 3 submitters: Benign (1); Likely benign (2). Last evaluated 2026-01-12.

Conditions:
Inborn genetic diseases. Identifiers: MedGen C0950123, MeSH D030342.

Allele frequency attached by ClinVar (database versions not stated): ExAC 0.00002; gnomAD 0.00002; TOPMed 0.00002; gnomAD exomes 0.00003; ESP Exome Variant Server 0.00008.
gnomAD v4.1: 47 of 1,612,268 alleles (0.0029%); highest among the groups gnomAD compares: Middle Eastern, 0.016%; no homozygotes.

Submissions (3):

Labcorp Genetics (formerly Invitae), Labcorp
Classification: Benign. Last evaluated: 2026-01-12. Review status: criteria provided, single submitter. Criteria: Invitae Variant Classification Sherloc (09022015). Collection method: clinical testing. Allele origin: germline.

CeGaT Center for Human Genetics Tuebingen
Classification: Likely benign. Last evaluated: 2024-12-01. Review status: criteria provided, single submitter. Criteria: CeGaT Center For Human Genetics Tuebingen Variant Classification Criteria Version 2. Collection method: clinical testing. Allele origin: germline. Affected: yes. Observed: 2 variant alleles.
Comment: CDK13: PP2, BP5, BS2

Ambry Genetics
Classification: Likely benign for Inborn genetic diseases. Last evaluated: 2022-11-07. Review status: criteria provided, single submitter. Criteria: Ambry Variant Classification Scheme 2023. Collection method: clinical testing. Allele origin: germline.

NM_003718.5(CDK13):c.2068A>G (p.Thr690Ala)

Gene: CDK13 (cyclin dependent kinase 13; plus strand). Cytogenetic location: 7p14.1.
Variant type: single nucleotide variant.
Coding change: c.2068A>G on transcript NM_003718.5 (MANE Select); coding-DNA position 2068, A replaced by G.
Protein change: p.Thr690Ala; replaces threonine 690 with alanine.
Molecular consequence: missense variant.
Genome position (GRCh38, 1-based): chr7:39,999,386, A>G. VCF-style: chr7-39999386-A-G. GRCh37 (hg19) VCF-style: chr7-40038985-A-G.
Other names: c.2068A>G, p.Thr690Ala (NM_031267.4); short protein forms T690A.
Identifiers: ClinVar variation 2323240 (VCV002323240.29), dbSNP rs144427590, ClinGen allele CA4228629.
Genomic context (GRCh38, chr7:39,999,386, plus strand): 5'-ATTGTATATAAAAACTTTAGAACTATATTTGATAGAATATGTGGGCCTCGCTATGGTGAA[A>G]CCAAAGAAAAAGATATTGACTGGGGAAAACGCTGCGTGGATAAATTTGATATCATCGGAA-3'
Protein context (NP_003709.3, residues 680-700): PKICGPRYGE[Thr690Ala]KEKDIDWGKR